The following is an entry in ClinVar:

ClinVar aggregate classification (germline): Uncertain significance. Review status: criteria provided, multiple submitters, no conflicts (2 of 4 stars). 2 submissions from 2 submitters: Uncertain significance (2). Last evaluated 2024-06-10.

Submissions (2):

GeneDx
Classification: Uncertain significance. Last evaluated: 2024-06-10. Review status: criteria provided, single submitter. Criteria: GeneDx Variant Classification Process June 2021. Collection method: clinical testing. Allele origin: germline. Affected: yes.
Comment: Not observed at significant frequency in large population cohorts (gnomAD); In silico analysis supports that this missense variant has a deleterious effect on protein structure/function; Has not been previously published as pathogenic or benign to our knowledge

Labcorp Genetics (formerly Invitae), Labcorp
Classification: Uncertain significance. Last evaluated: 2018-11-08. Review status: criteria provided, single submitter. Criteria: Invitae Variant Classification Sherloc (09022015). Collection method: clinical testing. Allele origin: germline.
Comment: In summary, the available evidence is currently insufficient to determine the role of this variant in disease. Therefore, it has been classified as a Variant of Uncertain Significance. Algorithms developed to predict the effect of missense changes on protein structure and function (SIFT, PolyPhen-2, Align-GVGD) all suggest that this variant is likely to be disruptive, but these predictions have not been confirmed by published functional studies and their clinical significance is uncertain. This variant has not been reported in the literature in individuals with ATP6V1B2-related disease. This variant is not present in population databases (ExAC no frequency). This sequence change replaces glutamine with arginine at codon 376 of the ATP6V1B2 protein (p.Gln376Arg). The glutamine residue is highly conserved and there is a small physicochemical difference between glutamine and arginine.

NM_001693.4(ATP6V1B2):c.1127A>G (p.Gln376Arg)

Gene: ATP6V1B2 (ATPase H+ transporting V1 subunit B2; plus strand). Cytogenetic location: 8p21.3.
Variant type: single nucleotide variant.
Coding change: c.1127A>G on transcript NM_001693.4 (MANE Select); coding-DNA position 1127, A replaced by G.
Protein change: p.Gln376Arg; replaces glutamine 376 with arginine.
Molecular consequence: missense variant.
Genome position (GRCh38, 1-based): chr8:20,216,461, A>G. VCF-style: chr8-20216461-A-G. GRCh37 (hg19) VCF-style: chr8-20073972-A-G.
Other names: short protein forms Q376R.
Identifiers: ClinVar variation 645383 (VCV000645383.6), dbSNP rs1585254017, ClinGen allele CA370473164.